The following is an entry in ClinVar:

ClinVar aggregate classification (germline): Conflicting classifications of pathogenicity. Review status: criteria provided, conflicting classifications (1 of 4 stars). 4 submissions from 4 submitters: Uncertain significance (1); Likely benign (2). 1 of the submissions does not count toward it. Last evaluated 2026-01-22.

Conditions:
ERCC6-related disorder. Also called: ERCC6-related condition; ERCC6-related disorders. Identifiers: MedGen CN239385.

Allele frequency attached by ClinVar (database versions not stated): 1000 Genomes Project 0.00060; 1000 Genomes Project 30x 0.00062; gnomAD 0.00009 and 0.00011; gnomAD exomes 0.00012 and 0.00030; TOPMed 0.00013; ExAC 0.00028.
gnomAD v4.1: 197 of 1,614,228 alleles (0.012%); highest among the groups gnomAD compares: East Asian, 0.39%; no homozygotes.

Submissions (4):

Labcorp Genetics (formerly Invitae), Labcorp
Classification: Likely benign. Last evaluated: 2026-01-22. Review status: criteria provided, single submitter. Criteria: Invitae Variant Classification Sherloc (09022015). Collection method: clinical testing. Allele origin: germline.

Blueprint Genetics
Classification: Uncertain significance. Last evaluated: 2024-06-06. Review status: criteria provided, single submitter. Criteria: ACMG Guidelines, 2015. Collection method: clinical testing. Allele origin: germline.

Eurofins Ntd Llc (ga)
Classification: Likely benign. Last evaluated: 2016-05-30. Review status: criteria provided, single submitter. Criteria: EGL Classification Definitions 2015. Collection method: clinical testing. Allele origin: germline. Observed: 1 variant allele, 1 heterozygote.

PreventionGenetics, part of Exact Sciences
Classification: Likely benign for ERCC6-related condition. Last evaluated: 2022-12-20. Review status: no assertion criteria provided. Collection method: clinical testing. Allele origin: germline. Not counted in ClinVar's aggregate classification.
Comment: This variant is classified as likely benign based on ACMG/AMP sequence variant interpretation guidelines (Richards et al. 2015 PMID: 25741868, with internal and published modifications).

NM_000124.4(ERCC6):c.3581A>G (p.Glu1194Gly)

Gene: ERCC6 (ERCC excision repair 6, chromatin remodeling factor; minus strand). Cytogenetic location: 10q11.23.
Variant type: single nucleotide variant.
Coding change: c.3581A>G on transcript NM_000124.4 (MANE Select); coding-DNA position 3581, A replaced by G.
Protein change: p.Glu1194Gly; replaces glutamic acid 1194 with glycine.
Molecular consequence: missense variant.
Genome position (GRCh38, 1-based): chr10:49,470,379, T>C on the plus strand (A>G on the coding strand, the complement: ERCC6 is on the minus strand). VCF-style: chr10-49470379-T-C. GRCh37 (hg19) VCF-style: chr10-50678425-T-C.
Other names: c.3581A>G, p.Glu1194Gly (NM_001346440.2); short protein forms E1194G.
Identifiers: ClinVar variation 288034 (VCV000288034.18), dbSNP rs114479292, ClinGen allele CA5495321.